The following is an entry in ClinVar:

NM_207122.2(EXT2):c.664_666del (p.Tyr222del)

Gene: EXT2 (exostosin glycosyltransferase 2; plus strand). Cytogenetic location: 11p11.2.
Variant type: Deletion.
Coding change: c.664_666del on transcript NM_207122.2 (MANE Select); coding-DNA positions 664 to 666, 3 bases deleted (TAC; older notation c.664_666delTAC).
Protein change: p.Tyr222del; deletes tyrosine 222.
Molecular consequence: inframe deletion.
Genome position (GRCh38, 1-based): chr11:44,114,222-44,114,224, TAC deleted. VCF-style (leftmost placement, unchanged base first): chr11-44114221-TTAC-T. GRCh37 (hg19) VCF-style: chr11-44135771-TTAC-T.
Other names: c.763_765del, p.Tyr255del (NM_000401.3); c.664_666del, p.Tyr222del (NM_001178083.3, NM_001389628.1, NM_001389630.1); short protein forms Y222del, Y255del.
Identifiers: ClinVar variation 4280630 (VCV004280630.1).

ClinVar aggregate classification (germline): Likely pathogenic (1 of 4 stars; one submission).

Conditions:
Exostoses, multiple, type 2 (EXT2). Also called: EXOSTOSES, MULTIPLE, TYPE II; Hereditary Multiple Osteochondromatosis, Type II. Identifiers: Orphanet 321, MedGen C1851413, MONDO:0007586, OMIM 133701.

Submission:

Clinical Biomedical Laboratory, Shriners Hospital For Children - Canada
Classification: Likely pathogenic for Exostoses, multiple, type 2. Last evaluated: 2025-10-05. Review status: criteria provided, single submitter. Criteria: ACMG Guidelines, 2015. Collection method: clinical testing. Allele origin: germline. Affected: yes.
Comment: This variant is predicted to cause an in-frame deletion of one amino acid in EXT2. This variant is absent from the Genome Aggregation Database (v2.1.1).